The following is an entry in ClinVar:

ClinVar aggregate classification (germline): Uncertain significance. Review status: criteria provided, multiple submitters, no conflicts (2 of 4 stars). 2 submissions from 2 submitters: Uncertain significance (2). Last evaluated 2022-01-14.

Conditions:
Hermansky-Pudlak syndrome 5 (HPS5). Identifiers: Orphanet 231512, Orphanet 79430, MedGen C3888004, MONDO:0013557, OMIM 614074.

Allele frequency attached by ClinVar (database versions not stated): ExAC 0.00003; gnomAD 0.00004; gnomAD exomes 0.00004 and 0.00005; TOPMed 0.00005; ESP Exome Variant Server 0.00008.

Submissions (2):

Labcorp Genetics (formerly Invitae), Labcorp
Classification: Uncertain significance. Last evaluated: 2022-01-14. Review status: criteria provided, single submitter. Criteria: Invitae Variant Classification Sherloc (09022015). Collection method: clinical testing. Allele origin: germline.
Comment: This sequence change replaces valine, which is neutral and non-polar, with isoleucine, which is neutral and non-polar, at codon 179 of the HPS5 protein (p.Val179Ile). This variant is present in population databases (rs373277149, gnomAD 0.01%). This variant has not been reported in the literature in individuals affected with HPS5-related conditions. ClinVar contains an entry for this variant (Variation ID: 879788). Algorithms developed to predict the effect of missense changes on protein structure and function output the following: SIFT: "Tolerated"; PolyPhen-2: "Benign"; Align-GVGD: "Class C0". The isoleucine amino acid residue is found in multiple mammalian species, which suggests that this missense change does not adversely affect protein function. In summary, the available evidence is currently insufficient to determine the role of this variant in disease. Therefore, it has been classified as a Variant of Uncertain Significance.

Illumina Laboratory Services, Illumina
Classification: Uncertain significance for Hermansky-Pudlak syndrome 5. Last evaluated: 2018-01-13. Review status: criteria provided, single submitter. Criteria: ICSL Variant Classification Criteria 13 December 2019. Collection method: clinical testing. Allele origin: germline.

NM_181507.2(HPS5):c.535G>A (p.Val179Ile)

Gene: HPS5 (HPS5 biogenesis of lysosomal organelles complex 2 subunit 2; minus strand). Cytogenetic location: 11p15.1.
Variant type: single nucleotide variant.
Coding change: c.535G>A on transcript NM_181507.2 (MANE Select); coding-DNA position 535, G replaced by A.
Protein change: p.Val179Ile; replaces valine 179 with isoleucine.
Molecular consequence: missense variant.
Genome position (GRCh38, 1-based): chr11:18,309,022, C>T on the plus strand (G>A on the coding strand, the complement: HPS5 is on the minus strand). VCF-style: chr11-18309022-C-T. GRCh37 (hg19) VCF-style: chr11-18330569-C-T.
Other names: c.193G>A, p.Val65Ile (NM_007216.4, NM_181508.2); short protein forms V179I, V65I.
Identifiers: ClinVar variation 879788 (VCV000879788.8), dbSNP rs373277149, ClinGen allele CA5910404.
Genomic context (GRCh38, chr11:18,309,022, plus strand): 5'-AGAAGGATCGAGTAAGTGAAGATATAAGTAGCCTTCCATCCAAATAATCTAACTGTACAA[C>T]ACAGGAGTCAACAGTTGTGATTGTCTGAACAGGAAACATCACAAAAGCAGCAGCTGCCTA-3'
Protein context (NP_852608.1, residues 169-189): VQTITTVDSC[Val179Ile]VQLDYLDGRL